The following is an entry in ClinVar:

NM_001845.6(COL4A1):c.1264C>T (p.Pro422Ser)

Gene: COL4A1 (collagen type IV alpha 1 chain; minus strand). Cytogenetic location: 13q34.
Variant type: single nucleotide variant.
Coding change: c.1264C>T on transcript NM_001845.6 (MANE Select); coding-DNA position 1264, C replaced by T.
Protein change: p.Pro422Ser; replaces proline 422 with serine.
Molecular consequence: missense variant.
Genome position (GRCh38, 1-based): chr13:110,198,488, G>A on the plus strand (C>T on the coding strand, the complement: COL4A1 is on the minus strand). VCF-style: chr13-110198488-G-A. GRCh37 (hg19) VCF-style: chr13-110850835-G-A.
Other names: c.1264C>T, p.Pro422Ser (NM_001303110.2); short protein forms P422S.
Identifiers: ClinVar variation 2003946 (VCV002003946.4), dbSNP rs767641915, ClinGen allele CA388723923.

ClinVar aggregate classification (germline): Uncertain significance (1 of 4 stars; one submission).

Submission:

Labcorp Genetics (formerly Invitae), Labcorp
Classification: Uncertain significance. Last evaluated: 2022-06-09. Review status: criteria provided, single submitter. Criteria: Invitae Variant Classification Sherloc (09022015). Collection method: clinical testing. Allele origin: germline.
Comment: In summary, the available evidence is currently insufficient to determine the role of this variant in disease. Therefore, it has been classified as a Variant of Uncertain Significance. Advanced modeling of protein sequence and biophysical properties (such as structural, functional, and spatial information, amino acid conservation, physicochemical variation, residue mobility, and thermodynamic stability) performed at Invitae indicates that this missense variant is not expected to disrupt COL4A1 protein function. This variant has not been reported in the literature in individuals affected with COL4A1-related conditions. This variant is not present in population databases (gnomAD no frequency). This sequence change replaces proline, which is neutral and non-polar, with serine, which is neutral and polar, at codon 422 of the COL4A1 protein (p.Pro422Ser).